The following is an entry in ClinVar:

NM_003995.4(NPR2):c.2527del (p.Ala843fs)

Gene: NPR2 (natriuretic peptide receptor 2; plus strand). Cytogenetic location: 9p13.3.
Variant type: Deletion.
Coding change: c.2527del on transcript NM_003995.4 (MANE Select); coding-DNA position 2527, one base deleted (G; older notation c.2527delG).
Protein change: p.Ala843fs; shifts the reading frame from alanine 843.
Molecular consequence: frameshift variant.
Genome position (GRCh38, 1-based): chr9:35,807,030, G deleted; the last of 2 consecutive G bases (chr9:35,807,029-35,807,030); deleting either gives the same sequence. VCF-style (leftmost placement, unchanged base first): chr9-35807028-TG-T. GRCh37 (hg19) VCF-style: chr9-35807025-TG-T.
Other names: c.2527delG (NM_003995.3); c.2527del (NM_003995.3); short protein forms A843fs.
Identifiers: ClinVar variation 817489 (VCV000817489.8), dbSNP rs1588068987, ClinGen allele CA915947459.
Genomic context (GRCh38, chr9:35,807,028, plus strand): 5'-CTCTTCCACTCCTGCTCTCTTGGAGTTTGGCTCATACGGCACCCTTGCTTCCTAGTTCAG[TG>T]GCAGAGCAGTTAAAACGGGGAGAGACTGTACAGGCTGAGGCCTTTGACAGTGTTACCATC-3'

ClinVar aggregate classification (germline): Pathogenic. Review status: criteria provided, multiple submitters, no conflicts (2 of 4 stars). 2 submissions from 2 submitters: Pathogenic (2). Last evaluated 2025-07-30.

Conditions:
Acromesomelic dysplasia 1, Maroteaux type (AMD1). Also called: ACROMESOMELIC DYSPLASIA 1; ST. HELENA DYSPLASIA. Identifiers: Orphanet 40, MedGen C1864356, MONDO:0011275, OMIM 602875.
Tall stature-scoliosis-macrodactyly of the great toes syndrome. Also called: Epiphyseal chondrodysplasia, miura type. Identifiers: Orphanet 329191, MedGen C4014690, MONDO:0014401, OMIM 615923.

Submissions (2):

GeneDx
Classification: Pathogenic. Last evaluated: 2025-07-30. Review status: criteria provided, single submitter. Criteria: GeneDx Variant Classification Process June 2021. Collection method: clinical testing. Allele origin: germline. Affected: yes.
Comment: Frameshift variant predicted to result in protein truncation or nonsense mediated decay in a gene for which loss of function is a known mechanism of disease; Not observed at significant frequency in large population cohorts (gnomAD); Has not been previously published as pathogenic or benign to our knowledge

Labcorp Genetics (formerly Invitae), Labcorp
Classification: Pathogenic for Tall stature-scoliosis-macrodactyly of the great toes syndrome; Acromesomelic dysplasia 1, Maroteaux type. Last evaluated: 2024-11-15. Review status: criteria provided, single submitter. Criteria: Invitae Variant Classification Sherloc (09022015). Collection method: clinical testing. Allele origin: germline.
Comment: This sequence change creates a premature translational stop signal (p.Ala843Glnfs*4) in the NPR2 gene. It is expected to result in an absent or disrupted protein product. Loss-of-function variants in NPR2 are known to be pathogenic (PMID: 15146390, 15572448, 16384845). This variant is not present in population databases (gnomAD no frequency). This premature translational stop signal has been observed in individual(s) with acromesomelic dysplasia, Maroteaux type (internal data). ClinVar contains an entry for this variant (Variation ID: 817489). For these reasons, this variant has been classified as Pathogenic.

Literature cited by the submitters: PubMed 15146390 (cited by Labcorp Genetics (formerly Invitae), Labcorp); PubMed 15572448 (cited by Labcorp Genetics (formerly Invitae), Labcorp); PubMed 16384845 (cited by Labcorp Genetics (formerly Invitae), Labcorp).